The following is an entry in ClinVar:

NM_018076.5(ODAD2):c.2845del (p.Cys949fs)

Gene: ODAD2 (outer dynein arm docking complex subunit 2; minus strand). Cytogenetic location: 10p12.1.
Variant type: Deletion.
Coding change: c.2845del on transcript NM_018076.5 (MANE Select); coding-DNA position 2845, one base deleted (T; older notation c.2845delT).
Protein change: p.Cys949fs; shifts the reading frame from cysteine 949.
Molecular consequence: frameshift variant.
Genome position (GRCh38, 1-based): chr10:27,860,801, A deleted on the plus strand (T on the coding strand, the reverse complement: ODAD2 is on the minus strand); the first of 2 consecutive A bases (chr10:27,860,801-27,860,802); deleting either gives the same sequence. VCF-style (leftmost placement, unchanged base first): chr10-27860800-CA-C. GRCh37 (hg19) VCF-style: chr10-28149729-CA-C.
Other names: c.2845del, p.Cys949fs (NM_001290020.2); c.1420del, p.Cys474fs (NM_001290021.2); c.1921del, p.Cys641fs (NM_001312689.2); short protein forms C641fs, C474fs, C949fs.
Identifiers: ClinVar variation 2800417 (VCV002800417.3), dbSNP rs1839989630, ClinGen allele CA468852160.
Genomic context (GRCh38, chr10:27,860,800, plus strand): 5'-ACTAGTGGAGCCACTGCTTTGTGCTCACCGAAGGCCACTCTATTCCTGCCCCACATACAG[CA>C]ACGTGAAATAGCTTCTGCTAGATGATGTCTCAATTTATTGTTATTCTGTGCAAGGGAAAA-3'

ClinVar aggregate classification (germline): Pathogenic (1 of 4 stars; one submission).

Conditions:
Primary ciliary dyskinesia 23 (CILD23). Also called: CILIARY DYSKINESIA, PRIMARY, 23, WITH OR WITHOUT SITUS INVERSUS. Identifiers: Orphanet 244, MedGen C3809548, MONDO:0014193, OMIM 615451.

Submission:

Labcorp Genetics (formerly Invitae), Labcorp
Classification: Pathogenic for Primary ciliary dyskinesia 23. Last evaluated: 2023-06-20. Review status: criteria provided, single submitter. Criteria: Invitae Variant Classification Sherloc (09022015). Collection method: clinical testing. Allele origin: germline.
Comment: This sequence change creates a premature translational stop signal (p.Cys949Alafs*20) in the ARMC4 gene. It is expected to result in an absent or disrupted protein product. Loss-of-function variants in ARMC4 are known to be pathogenic (PMID: 23849778). This variant is not present in population databases (gnomAD no frequency). This variant has not been reported in the literature in individuals affected with ARMC4-related conditions. For these reasons, this variant has been classified as Pathogenic.

Literature cited by the submitters: PubMed 23849778.